The following is an entry in ClinVar:

ClinVar aggregate classification (germline): Pathogenic (1 of 4 stars; one submission).

Submission:

Labcorp Genetics (formerly Invitae), Labcorp
Classification: Pathogenic. Last evaluated: 2024-01-10. Review status: criteria provided, single submitter. Criteria: Invitae Variant Classification Sherloc (09022015). Collection method: clinical testing. Allele origin: germline.
Comment: This sequence change creates a premature translational stop signal (p.Tyr331*) in the CD46 gene. It is expected to result in an absent or disrupted protein product. Loss-of-function variants in CD46 are known to be pathogenic (PMID: 16621965, 23431077). This variant is not present in population databases (gnomAD no frequency). This variant has not been reported in the literature in individuals affected with CD46-related conditions. For these reasons, this variant has been classified as Pathogenic.

Literature cited by the submitters: PubMed 16621965; PubMed 23431077.

NM_172351.3(CD46):c.948T>A (p.Tyr316Ter)

Gene: CD46 (CD46 molecule; plus strand). Cytogenetic location: 1q32.2.
Variant type: single nucleotide variant.
Coding change: c.948T>A on transcript NM_172351.3 (MANE Select); coding-DNA position 948, T replaced by A.
Protein change: p.Tyr316Ter; replaces tyrosine 316 with a stop codon.
Molecular consequence: nonsense.
Genome position (GRCh38, 1-based): chr1:207,783,296, T>A. VCF-style: chr1-207783296-T-A. GRCh37 (hg19) VCF-style: chr1-207956641-T-A.
Other names: c.993T>A, p.Tyr331Ter (NM_002389.4, NM_172359.3); c.948T>A, p.Tyr316Ter (NM_153826.4, NM_172358.3); c.903T>A, p.Tyr301Ter (NM_172350.3, NM_172352.3, NM_172353.3); c.906T>A, p.Tyr302Ter (NM_172355.3, NM_172356.3); c.861T>A, p.Tyr287Ter (NM_172357.3, NM_172361.3); short protein forms Y301*, Y331*, Y316*, Y287*, Y302*.
Identifiers: ClinVar variation 2708593 (VCV002708593.3), dbSNP rs749489444, ClinGen allele CA344552624.